The following is an entry in ClinVar:

ClinVar aggregate classification (germline): Uncertain significance (1 of 4 stars; one submission).

Allele frequency attached by ClinVar (database versions not stated): gnomAD exomes 0.00002; ExAC 0.00011.
gnomAD v4.1: 12 of 1,557,858 alleles (0.00077%); highest among the groups gnomAD compares: East Asian, 0.029%; no homozygotes.

Submission:

GeneDx
Classification: Uncertain significance. Last evaluated: 2023-03-01. Review status: criteria provided, single submitter. Criteria: GeneDx Variant Classification Process June 2021. Collection method: clinical testing. Allele origin: germline. Affected: yes.
Comment: In silico analysis supports that this missense variant does not alter protein structure/function; Has not been previously published as pathogenic or benign to our knowledge

NM_001378454.1(ALMS1):c.132G>T (p.Glu44Asp)

Gene: ALMS1 (ALMS1 centrosome and basal body associated protein; plus strand). Cytogenetic location: 2p13.1.
Variant type: single nucleotide variant.
Coding change: c.132G>T on transcript NM_001378454.1 (MANE Select); coding-DNA position 132, G replaced by T.
Protein change: p.Glu44Asp; replaces glutamic acid 44 with aspartic acid.
Molecular consequence: missense variant.
Genome position (GRCh38, 1-based): chr2:73,386,000, G>T. VCF-style: chr2-73386000-G-T. GRCh37 (hg19) VCF-style: chr2-73613128-G-T.
Other names: c.135G>T, p.Glu45Asp (NM_015120.4); short protein forms E44D, E45D.
Identifiers: ClinVar variation 2578198 (VCV002578198.1), dbSNP rs753958280, ClinGen allele CA1712746.